The following is an entry in ClinVar:

ClinVar aggregate classification (germline): Uncertain significance. Review status: criteria provided, multiple submitters, no conflicts (2 of 4 stars). 2 submissions from 2 submitters: Uncertain significance (2). Last evaluated 2025-05-01.

Conditions:
Brugada syndrome 5 (BRGDA5). Identifiers: Orphanet 130, Orphanet 871, MedGen C2748541, MONDO:0013015, OMIM 612838.

Submissions (2):

Labcorp Genetics (formerly Invitae), Labcorp
Classification: Uncertain significance for Brugada syndrome 5. Last evaluated: 2025-05-01. Review status: criteria provided, single submitter. Criteria: Invitae Variant Classification Sherloc (09022015). Collection method: clinical testing. Allele origin: germline.
Comment: This sequence change replaces valine, which is neutral and non-polar, with isoleucine, which is neutral and non-polar, at codon 146 of the SCN1B protein (p.Val146Ile). This variant is not present in population databases (gnomAD no frequency). This variant has not been reported in the literature in individuals affected with SCN1B-related conditions. An algorithm developed to predict the effect of missense changes on protein structure and function (PolyPhen-2) suggests that this variant is likely to be disruptive. In summary, the available evidence is currently insufficient to determine the role of this variant in disease. Therefore, it has been classified as a Variant of Uncertain Significance.

GeneDx
Classification: Uncertain significance. Last evaluated: 2024-12-26. Review status: criteria provided, single submitter. Criteria: GeneDx Variant Classification Process June 2021. Collection method: clinical testing. Allele origin: germline. Affected: yes.
Comment: Not observed at significant frequency in large population cohorts (gnomAD); In silico analysis indicates that this missense variant does not alter protein structure/function; Has not been previously published as pathogenic or benign to our knowledge

NM_001037.5(SCN1B):c.436G>A (p.Val146Ile)

Gene: SCN1B (sodium voltage-gated channel beta subunit 1; plus strand). Cytogenetic location: 19q13.11.
Variant type: single nucleotide variant.
Coding change: c.436G>A on transcript NM_001037.5 (MANE Select); coding-DNA position 436, G replaced by A.
Protein change: p.Val146Ile; replaces valine 146 with isoleucine.
Molecular consequence: missense variant.
Genome position (GRCh38, 1-based): chr19:35,033,727, G>A. VCF-style: chr19-35033727-G-A. GRCh37 (hg19) VCF-style: chr19-35524631-G-A.
Other names: c.337G>A, p.Val113Ile (NM_001321605.2); c.436G>A, p.Val146Ile (NM_199037.5); short protein forms V113I, V146I.
Identifiers: ClinVar variation 3907965 (VCV003907965.2).